The following is an entry in ClinVar:

NM_001367943.1(TCF7L2):c.1319-4del

Gene: TCF7L2 (transcription factor 7 like 2; plus strand). Cytogenetic location: 10q25.3.
Variant type: Deletion.
Coding change: c.1319-4del on transcript NM_001367943.1 (MANE Select); 4 bases into the intron before coding-DNA position 1319, one base deleted (T; older notation c.1319-4delT).
Molecular consequence: intron variant.
Genome position (GRCh38, 1-based): chr10:113,158,663, T deleted; the last of 8 consecutive T bases (chr10:113,158,656-113,158,663); deleting any one gives the same sequence. VCF-style (leftmost placement, unchanged base first): chr10-113158655-CT-C. GRCh37 (hg19) VCF-style: chr10-114918414-CT-C.
Other names: c.1249+594del (NM_001146285.2, NM_001198526.2, NM_001146286.2); c.1238-4del (NM_001198527.2, NM_001146284.2); c.1147+594del (NM_001198530.2); c.770-4del (NM_001349871.1); c.890-4del (NM_001349870.2); c.1319-4del (NM_001363501.2); c.1318+594del (NM_001146274.2, NM_001198531.2); c.1390+594del (NM_001146283.2); and 2 more.
Identifiers: ClinVar variation 4071922 (VCV004071922.1).

ClinVar aggregate classification (germline): Uncertain significance (1 of 4 stars; one submission).

Submission:

GeneDx
Classification: Uncertain significance. Last evaluated: 2025-01-28. Review status: criteria provided, single submitter. Criteria: GeneDx Variant Classification Process June 2021. Collection method: clinical testing. Allele origin: germline. Affected: yes.
Comment: Has not been previously published as pathogenic or benign to our knowledge; Not observed at significant frequency in large population cohorts (gnomAD); In silico analysis indicates that this variant does not alter splicing